The following is an entry in ClinVar:

ClinVar aggregate classification (germline): Uncertain significance (1 of 4 stars; one submission).

Conditions:
Hereditary spastic paraplegia 11. Also called: SPASTIC PARAPLEGIA, AUTOSOMAL RECESSIVE, COMPLICATED, WITH THIN CORPUS CALLOSUM; SPASTIC PARAPLEGIA, AUTOSOMAL RECESSIVE, WITH MENTAL IMPAIRMENT AND THIN CORPUS CALLOSUM; Spastic paraplegia, mental retardation and thin corpus callosum; Nakamura Osame syndrome; Autosomal recessive hereditary spastic paraplegia, mental impairment, and thin corpus callosum; Spastic Paraplegia 11. Identifiers: Orphanet 2822, MedGen C1858479, MONDO:0011445, OMIM 604360.

Allele frequency attached by ClinVar (database versions not stated): gnomAD exomes below 0.00001 and 0.00001; gnomAD 0.00001; 1000 Genomes Project 30x 0.00016; 1000 Genomes Project 0.00020.
gnomAD v4.1: 7 of 1,614,228 alleles (0.00043%); highest among the groups gnomAD compares: East Asian, 0.0022%; no homozygotes.

Submission:

Labcorp Genetics (formerly Invitae), Labcorp
Classification: Uncertain significance for Hereditary spastic paraplegia 11. Last evaluated: 2019-06-22. Review status: criteria provided, single submitter. Criteria: Invitae Variant Classification Sherloc (09022015). Collection method: clinical testing. Allele origin: germline.
Comment: In summary, the available evidence is currently insufficient to determine the role of this variant in disease. Therefore, it has been classified as a Variant of Uncertain Significance. Algorithms developed to predict the effect of missense changes on protein structure and function output the following: SIFT: "Tolerated"; PolyPhen-2: "Possibly Damaging"; Align-GVGD: "Class C0". The alanine amino acid residue is found in multiple mammalian species, suggesting that this missense change does not adversely affect protein function. These predictions have not been confirmed by published functional studies and their clinical significance is uncertain. This variant has not been reported in the literature in individuals with SPG11-related disease. This variant is not present in population databases (ExAC no frequency). This sequence change replaces valine with alanine at codon 200 of the SPG11 protein (p.Val200Ala). The valine residue is weakly conserved and there is a small physicochemical difference between valine and alanine.

NM_025137.4(SPG11):c.599T>C (p.Val200Ala)

Gene: SPG11 (SPG11 vesicle trafficking associated, spatacsin; minus strand). Cytogenetic location: 15q21.1.
Variant type: single nucleotide variant.
Coding change: c.599T>C on transcript NM_025137.4 (MANE Select); coding-DNA position 599, T replaced by C.
Protein change: p.Val200Ala; replaces valine 200 with alanine.
Molecular consequence: missense variant.
Genome position (GRCh38, 1-based): chr15:44,659,147, A>G on the plus strand (T>C on the coding strand, the complement: SPG11 is on the minus strand). VCF-style: chr15-44659147-A-G. GRCh37 (hg19) VCF-style: chr15-44951345-A-G.
Other names: c.599T>C, p.Val200Ala (NM_001160227.2); short protein forms V200A.
Identifiers: ClinVar variation 935962 (VCV000935962.10), dbSNP rs553484553, ClinGen allele CA270109453.